The following is an entry in ClinVar:

ClinVar aggregate classification (germline): Uncertain significance. Review status: criteria provided, multiple submitters, no conflicts (2 of 4 stars). 5 submissions from 5 submitters: Uncertain significance (5). Last evaluated 2025-03-23.

Conditions:
King Denborough syndrome (KDS). Identifiers: MedGen C1840365, MONDO:0020485, OMIM 619542.
Congenital multicore myopathy with external ophthalmoplegia (CMYO1B). Also called: MULTICORE MYOPATHY; Minicore myopathy with external ophthalmoplegia; Congenital myopathy 1B, autosomal recessive; Minicore myopathy; MULTIMINICORE DISEASE WITH EXTERNAL OPHTHALMOPLEGIA. Identifiers: Orphanet 598, Orphanet 98905, MedGen C1850674, MONDO:0009712, OMIM 255320, HP:0003789.
Malignant hyperthermia, susceptibility to, 1 (MHS1). Also called: RYR1-Related Malignant Hyperthermia Susceptibility; Malignant hyperthermia suceptibility 1; Anesthesia related hyperthermia; Malignant hyperpyrexia; Fulminating hyperpyrexia; Pharmacogenic myopathy. Identifiers: Orphanet 423, MedGen C2930980, MONDO:0007783, OMIM 145600.
Congenital myopathy with fiber type disproportion. Also called: Congenital fiber-type disproportion myopathy; Congenital fiber-type disproportion. Identifiers: Orphanet 2020, MedGen C0546264, MONDO:0009711. Inheritance: all.
Central core myopathy (CMYO1A). Also called: CONGENITAL MYOPATHY 1A, AUTOSOMAL DOMINANT, WITH SUSCEPTIBILITY TO MALIGNANT HYPERTHERMIA; Central core disease; Myopathy, central fibrillar. Identifiers: Orphanet 597, MedGen C5830701, MONDO:0007294, OMIM 117000.
RYR1-related disorder. Also called: RYR1-related condition; RYR1-related disorders. Identifiers: MedGen CN239331.

Allele frequency attached by ClinVar (database versions not stated): TOPMed below 0.00001; gnomAD 0.00003.
gnomAD v4.1: 25 of 1,611,748 alleles (0.0016%); highest among the groups gnomAD compares: Non-Finnish European, 0.0019%; no homozygotes.

Submissions (5):

Labcorp Genetics (formerly Invitae), Labcorp
Classification: Uncertain significance for RYR1-related disorder. Last evaluated: 2025-03-23. Review status: criteria provided, single submitter. Criteria: Invitae Variant Classification Sherloc (09022015). Collection method: clinical testing. Allele origin: germline.
Comment: This sequence change replaces tyrosine, which is neutral and polar, with phenylalanine, which is neutral and non-polar, at codon 2777 of the RYR1 protein (p.Tyr2777Phe). This variant is present in population databases (rs769276412, gnomAD 0.003%). This variant has not been reported in the literature in individuals affected with RYR1-related conditions. ClinVar contains an entry for this variant (Variation ID: 452402). Invitae Evidence Modeling of protein sequence and biophysical properties (such as structural, functional, and spatial information, amino acid conservation, physicochemical variation, residue mobility, and thermodynamic stability) indicates that this missense variant is not expected to disrupt RYR1 protein function with a negative predictive value of 80%. In summary, the available evidence is currently insufficient to determine the role of this variant in disease. Therefore, it has been classified as a Variant of Uncertain Significance.

Revvity Omics, Revvity
Classification: Uncertain significance. Last evaluated: 2025-02-03. Review status: criteria provided, single submitter. Criteria: ACMG Guidelines, 2015. Collection method: clinical testing. Allele origin: germline.

Color Diagnostics, LLC DBA Color Health
Classification: Uncertain significance for Malignant hyperthermia, susceptibility to, 1. Last evaluated: 2023-11-22. Review status: criteria provided, single submitter. Criteria: ACMG Guidelines, 2015. Collection method: clinical testing. Allele origin: germline.
Comment: This missense variant replaces tyrosine with phenylalanine at codon 2777 of the RYR1 protein. Computational prediction suggests that this variant may not impact protein structure and function. To our knowledge, functional studies have not been reported for this variant. This variant has not been reported in individuals affected with RYR1-related disorders in the literature. This variant has been identified in 4/280724 chromosomes in the general population by the Genome Aggregation Database (gnomAD). The available evidence is insufficient to determine the role of this variant in disease conclusively. Therefore, this variant is classified as a Variant of Uncertain Significance.

Fulgent Genetics
Classification: Uncertain significance for Central core myopathy; Malignant hyperthermia, susceptibility to, 1; Congenital myopathy 4A, autosomal dominant; Congenital multicore myopathy with external ophthalmoplegia; King Denborough syndrome. Last evaluated: 2021-12-06. Review status: criteria provided, single submitter. Criteria: ACMG Guidelines, 2015. Collection method: clinical testing. Allele origin: unknown.

GeneDx
Classification: Uncertain significance. Last evaluated: 2017-09-28. Review status: criteria provided, single submitter. Criteria: GeneDx Variant Classification (06012015). Collection method: clinical testing. Allele origin: germline. Affected: yes.
Comment: The Y2777F variant in the RYR1 gene has not been reported previously as a pathogenic variant, nor as a benign variant, to our knowledge. The Y2777F variant is observed in 4/126,018 (0.0032%) alleles from individuals of European (non-Finnish) background in the gnomAD dataset (Lek et al., 2016). The Y2777F variant is a non-conservative amino acid substitution, which is likely to impact secondary protein structure as these residues differ in polarity, charge, size and/or other properties. This substitution occurs at a position that is conserved in mammals. In silico analysis predicts this variant is probably damaging to the protein structure/function. We interpret Y2777F as a variant of uncertain significance.

NM_000540.3(RYR1):c.8330A>T (p.Tyr2777Phe)

Genes: RYR1 (ryanodine receptor 1; plus strand), LOC126862902 (BRD4-independent group 4 enhancer GRCh37_chr19:38995830-38997029; plus strand). Cytogenetic location: 19q13.2.
Variant type: single nucleotide variant.
Coding change: c.8330A>T on transcript NM_000540.3 (MANE Select); coding-DNA position 8330, A replaced by T.
Protein change: p.Tyr2777Phe; replaces tyrosine 2777 with phenylalanine.
Molecular consequence: missense variant.
Genome position (GRCh38, 1-based): chr19:38,505,328, A>T. VCF-style: chr19-38505328-A-T. GRCh37 (hg19) VCF-style: chr19-38995968-A-T.
Other names: c.8330A>T, p.Tyr2777Phe (NM_001042723.2); short protein forms Y2777F.
Identifiers: ClinVar variation 452402 (VCV000452402.10), dbSNP rs769276412, ClinGen allele CA083243.